The following is an entry in ClinVar:

ClinVar aggregate classification (germline): Likely pathogenic (1 of 4 stars; one submission).

Submission:

GeneDx
Classification: Likely pathogenic. Last evaluated: 2022-11-28. Review status: criteria provided, single submitter. Criteria: GeneDx Variant Classification Process June 2021. Collection method: clinical testing. Allele origin: germline. Affected: yes.
Comment: Nonsense variant predicted to result in protein truncation or nonsense mediated decay in a gene for which loss of function is a known mechanism of disease; Not observed at significant frequency in large population cohorts (gnomAD); Has not been previously published as pathogenic or benign to our knowledge

NM_004667.6(HERC2):c.11218C>T (p.Arg3740Ter)

Gene: HERC2 (HECT and RLD domain containing E3 ubiquitin protein ligase 2; minus strand). Cytogenetic location: 15q13.1.
Variant type: single nucleotide variant.
Coding change: c.11218C>T on transcript NM_004667.6 (MANE Select); coding-DNA position 11218, C replaced by T.
Protein change: p.Arg3740Ter; replaces arginine 3740 with a stop codon.
Molecular consequence: nonsense.
Genome position (GRCh38, 1-based): chr15:28,144,158, G>A on the plus strand (C>T on the coding strand, the complement: HERC2 is on the minus strand). VCF-style: chr15-28144158-G-A. GRCh37 (hg19) VCF-style: chr15-28389304-G-A.
Other names: short protein forms R3740*.
Identifiers: ClinVar variation 2503137 (VCV002503137.1), dbSNP rs2548872276, ClinGen allele CA391384807.